The following is an entry in ClinVar:

NM_001322934.2(NFKB2):c.1469+1G>T

Gene: NFKB2 (nuclear factor kappa B subunit 2; plus strand). Cytogenetic location: 10q24.32.
Variant type: single nucleotide variant.
Coding change: c.1469+1G>T on transcript NM_001322934.2 (MANE Select); the canonical splice donor site of the intron after coding-DNA position 1469, G replaced by T.
Molecular consequence: splice donor variant.
Genome position (GRCh38, 1-based): chr10:102,399,719, G>T. VCF-style: chr10-102399719-G-T. GRCh37 (hg19) VCF-style: chr10-104159476-G-T.
Other names: c.1469+1G>T (NM_001288724.1, NM_001077494.3, NM_001261403.3 and 1 more transcripts); c.1343+1G>T (NM_001322935.1).
Identifiers: ClinVar variation 827730 (VCV000827730.2), dbSNP rs1589866171, ClinGen allele CA377899688.

ClinVar aggregate classification (germline): Pathogenic. Review status: criteria provided, multiple submitters, no conflicts (2 of 4 stars). 2 submissions from 2 submitters: Pathogenic (2). Last evaluated 2023-04-22.

Conditions:
Inherited Immunodeficiency Diseases. Identifiers: MedGen C5197805, MeSH D000081207.

Allele frequency attached by ClinVar (database versions not stated): gnomAD exomes below 0.00001.
gnomAD v4.1: 1 of 1,473,846 alleles (0.000068%); no homozygotes.

Submissions (2):

GeneDx
Classification: Pathogenic. Last evaluated: 2023-04-22. Review status: criteria provided, single submitter. Criteria: GeneDx Variant Classification Process June 2021. Collection method: clinical testing. Allele origin: germline. Affected: yes.
Comment: Canonical splice site variant predicted to result in a null allele in a gene for which loss of function is a known mechanism of disease; Not observed at significant frequency in large population cohorts (gnomAD); This variant is associated with the following publications: (PMID: 32581362, 32499645)

NIHR Bioresource Rare Diseases, University of Cambridge
Classification: Pathogenic for Inherited Immunodeficiency Diseases. Last evaluated: 2019-01-01. Review status: criteria provided, single submitter. Criteria: ACMG Guidelines, 2015. Collection method: research. Allele origin: germline. Affected: yes. Observed: 1 heterozygote.